The following is an entry in ClinVar:

ClinVar aggregate classification (germline): Uncertain significance (1 of 4 stars; one submission).

Submission:

Labcorp Genetics (formerly Invitae), Labcorp
Classification: Uncertain significance. Last evaluated: 2021-12-16. Review status: criteria provided, single submitter. Criteria: Invitae Variant Classification Sherloc (09022015). Collection method: clinical testing. Allele origin: germline.
Comment: In summary, the available evidence is currently insufficient to determine the role of this variant in disease. Therefore, it has been classified as a Variant of Uncertain Significance. Algorithms developed to predict the effect of missense changes on protein structure and function are either unavailable or do not agree on the potential impact of this missense change (SIFT: "Tolerated"; PolyPhen-2: "Not Available"; Align-GVGD: "Class C0"). This variant has not been reported in the literature in individuals affected with KIAA1161-related conditions. This variant is not present in population databases (gnomAD no frequency). This sequence change replaces valine, which is neutral and non-polar, with leucine, which is neutral and non-polar, at codon 406 of the KIAA1161 protein (p.Val406Leu).

NM_020702.5(MYORG):c.1216G>T (p.Val406Leu)

Gene: MYORG (myogenesis regulating glycosidase; minus strand). Cytogenetic location: 9p13.3.
Variant type: single nucleotide variant.
Coding change: c.1216G>T on transcript NM_020702.5 (MANE Select); coding-DNA position 1216, G replaced by T.
Protein change: p.Val406Leu; replaces valine 406 with leucine.
Molecular consequence: missense variant.
Genome position (GRCh38, 1-based): chr9:34,371,728, C>A on the plus strand (G>T on the coding strand, the complement: MYORG is on the minus strand). VCF-style: chr9-34371728-C-A. GRCh37 (hg19) VCF-style: chr9-34371726-C-A.
Other names: short protein forms V406L.
Identifiers: ClinVar variation 1681303 (VCV001681303.6), dbSNP rs1820605030, ClinGen allele CA373242002.